The following is an entry in ClinVar:

ClinVar aggregate classification (germline): Uncertain significance. Review status: criteria provided, multiple submitters, no conflicts (2 of 4 stars). 2 submissions from 2 submitters: Uncertain significance (2). Last evaluated 2021-12-23.

Conditions:
Hereditary nonpolyposis colorectal neoplasms. Identifiers: MedGen C0009405, MeSH D003123.
Hereditary cancer-predisposing syndrome. Also called: Neoplastic Syndromes, Hereditary; Tumor predisposition; Hereditary Cancer Syndrome; Hereditary neoplastic syndrome. Identifiers: Orphanet 140162, MedGen C0027672, MeSH D009386, MONDO:0015356.

Submissions (2):

Labcorp Genetics (formerly Invitae), Labcorp
Classification: Uncertain significance for Hereditary nonpolyposis colorectal neoplasms. Last evaluated: 2021-12-23. Review status: criteria provided, single submitter. Criteria: Invitae Variant Classification Sherloc (09022015). Collection method: clinical testing. Allele origin: germline.
Comment: This sequence change replaces valine, which is neutral and non-polar, with isoleucine, which is neutral and non-polar, at codon 280 of the PMS2 protein (p.Val280Ile). This variant is not present in population databases (gnomAD no frequency). This variant has not been reported in the literature in individuals affected with PMS2-related conditions. Advanced modeling of protein sequence and biophysical properties (such as structural, functional, and spatial information, amino acid conservation, physicochemical variation, residue mobility, and thermodynamic stability) performed at Invitae indicates that this missense variant is not expected to disrupt PMS2 protein function. In summary, the available evidence is currently insufficient to determine the role of this variant in disease. Therefore, it has been classified as a Variant of Uncertain Significance.

Ambry Genetics
Classification: Uncertain significance for Hereditary cancer-predisposing syndrome. Last evaluated: 2021-03-18. Review status: criteria provided, single submitter. Criteria: Ambry Variant Classification Scheme 2023. Collection method: clinical testing. Allele origin: germline.
Comment: The p.V280I variant (also known as c.838G>A), located in coding exon 8 of the PMS2 gene, results from a G to A substitution at nucleotide position 838. The valine at codon 280 is replaced by isoleucine, an amino acid with highly similar properties. This amino acid position is not well conserved in available vertebrate species. In addition, this alteration is predicted to be tolerated by in silico analysis. Since supporting evidence is limited at this time, the clinical significance of this alteration remains unclear.

NM_000535.7(PMS2):c.838G>A (p.Val280Ile)

Gene: PMS2 (PMS1 homolog 2, mismatch repair system component; minus strand). Cytogenetic location: 7p22.1.
Variant type: single nucleotide variant.
Coding change: c.838G>A on transcript NM_000535.7 (MANE Select); coding-DNA position 838, G replaced by A.
Protein change: p.Val280Ile; replaces valine 280 with isoleucine.
Molecular consequence: missense variant. On other transcripts: 5 prime UTR variant (2), non-coding transcript variant (1).
Genome position (GRCh38, 1-based): chr7:5,995,599, C>T on the plus strand (G>A on the coding strand, the complement: PMS2 is on the minus strand). VCF-style: chr7-5995599-C-T. GRCh37 (hg19) VCF-style: chr7-6035230-C-T.
Other names: c.529G>A, p.Val177Ile (NM_001406878.1, NM_001406881.1, NM_001406880.1 and 6 more transcripts); c.502G>A, p.Val168Ile (NM_001406885.1); c.433G>A, p.Val145Ile (NM_001406888.1, NM_001406887.1, NM_001018040.1 and 20 more transcripts); c.520G>A, p.Val174Ile (NM_001406883.1, NM_001322007.2, NM_001322008.2 and 4 more transcripts); c.670G>A, p.Val224Ile (NM_001406884.1, NM_001406874.1); c.838G>A, p.Val280Ile (NM_001322006.2, NM_001322014.2, NM_001406870.1 and 2 more transcripts); c.-96G>A (NM_001322011.2, NM_001322012.2); c.265G>A, p.Val89Ile (NM_001322013.2, NM_001406909.1); and 4 more; short protein forms V177I, V280I, V342I, V89I, V168I, V174I, V224I, V244I.
Identifiers: ClinVar variation 1763187 (VCV001763187.6), dbSNP rs2128775920, ClinGen allele CA366743518.